The following is an entry in ClinVar:

ClinVar aggregate classification (germline): Uncertain significance (1 of 4 stars; one submission).

gnomAD v4.1: 11 of 1,614,006 alleles (0.00068%); highest among the groups gnomAD compares: Non-Finnish European, 0.00093%; no homozygotes.

Submission:

Labcorp Genetics (formerly Invitae), Labcorp
Classification: Uncertain significance. Last evaluated: 2025-08-25. Review status: criteria provided, single submitter. Criteria: Invitae Variant Classification Sherloc (09022015). Collection method: clinical testing. Allele origin: germline.
Comment: This sequence change replaces aspartic acid, which is acidic and polar, with histidine, which is basic and polar, at codon 148 of the VCAN protein (p.Asp148His). This variant is present in population databases (rs147594127, gnomAD 0.0009%). This variant has not been reported in the literature in individuals affected with VCAN-related conditions. An algorithm developed to predict the effect of missense changes on protein structure and function (PolyPhen-2) suggests that this variant is likely to be tolerated. In summary, the available evidence is currently insufficient to determine the role of this variant in disease. Therefore, it has been classified as a Variant of Uncertain Significance.

NM_004385.5(VCAN):c.442G>C (p.Asp148His)

Gene: VCAN (versican; plus strand). Cytogenetic location: 5q14.2.
Variant type: single nucleotide variant.
Coding change: c.442G>C on transcript NM_004385.5 (MANE Select); coding-DNA position 442, G replaced by C.
Protein change: p.Asp148His; replaces aspartic acid 148 with histidine.
Molecular consequence: missense variant.
Genome position (GRCh38, 1-based): chr5:83,490,469, G>C. VCF-style: chr5-83490469-G-C. GRCh37 (hg19) VCF-style: chr5-82786288-G-C.
Other names: c.442G>C, p.Asp148His (NM_001126336.3, NM_001164097.2, NM_001164098.2); short protein forms D148H.
Identifiers: ClinVar variation 4691336 (VCV004691336.1).